The following is an entry in ClinVar:

NR_110202.1(AADACL2-AS1):n.320-53588_320-22137del

Genes: AADAC (arylacetamide deacetylase; plus strand), AADACL2-AS1 (AADACL2 antisense RNA 1; minus strand). Cytogenetic location: 3q25.1.
Variant type: Deletion.
Identifiers: ClinVar variation 156883 (VCV000156883.2).

ClinVar aggregate classification (germline): not provided. Review status: no classification provided (0 of 4 stars). 2 submissions from 1 submitter: not provided (2).

Conditions:
Normal pregnancy. Identifiers: MedGen C0232989.
Gestational diabetes mellitus uncontrolled. Identifiers: MedGen C3532257.

Submissions (2):

Institute of Molecular and Cell Biology, University of Tartu
No classification provided. Condition: Gestational diabetes mellitus uncontrolled. Review status: no classification provided. Collection method: case-control. Allele origin: unknown. Affected: yes. Study: Kasak2014.
Comment: The study aimed to determine the contribution of copy number variants in the genetic etiology of normal and complicated pregnancies. The samples represented (i) maternal blood DNA drawn from healthy pregnant women during 1st or 2nd trimester and (ii) maternal and paternal blood DNA drawn at term pregnancy cases representing normal and complicated gestations (severe preeclampsia, PE; gestational diabetes, GD; small-for-gestational age newborn, SGA; large-for-gestational age newborn, LGA). We performed CNV calling based on genome-wide genotyping dataset (Illumina HumanOmniExpress-24-v1 BeadChip) by applying three algorithms, QuantiSNP, GADA (Genome Alteration Detection Algorithm) and CNstream in parallel. The acquired CNV calls were merged with HD-CNV (Hotspot Detector for Copy Number Variants) program and only the CNVs predicted by at least two programs, were considered in subsequent analysis.

Institute of Molecular and Cell Biology, University of Tartu
No classification provided. Condition: Normal pregnancy. Review status: no classification provided. Collection method: case-control. Allele origin: unknown. Affected: yes. Study: Kasak2014.
Comment: the same text as in the submission from Institute of Molecular and Cell Biology, University of Tartu above.

Literature cited by the submitters: PubMed 25666259.